The following is an entry in ClinVar:

NM_015450.3(POT1):c.216T>G (p.Ile72Met)

Gene: POT1 (protection of telomeres 1; minus strand). Cytogenetic location: 7q31.33.
Variant type: single nucleotide variant.
Coding change: c.216T>G on transcript NM_015450.3 (MANE Select); coding-DNA position 216, T replaced by G.
Protein change: p.Ile72Met; replaces isoleucine 72 with methionine.
Molecular consequence: missense variant. On other transcripts: non-coding transcript variant (3), intron variant (1).
Genome position (GRCh38, 1-based): chr7:124,870,950, A>C on the plus strand (T>G on the coding strand, the complement: POT1 is on the minus strand). VCF-style: chr7-124870950-A-C. GRCh37 (hg19) VCF-style: chr7-124511004-A-C.
Other names: c.-138-7310T>G (NM_001042594.2); short protein forms I72M.
Identifiers: ClinVar variation 4862389 (VCV004862389.1).

ClinVar aggregate classification (germline): Uncertain significance (1 of 4 stars; one submission).

Conditions:
Hereditary cancer-predisposing syndrome. Also called: Neoplastic Syndromes, Hereditary; Tumor predisposition; Hereditary Cancer Syndrome; Hereditary neoplastic syndrome. Identifiers: Orphanet 140162, MedGen C0027672, MeSH D009386, MONDO:0015356.

Submission:

Ambry Genetics
Classification: Uncertain significance for Hereditary cancer-predisposing syndrome. Last evaluated: 2026-04-12. Review status: criteria provided, single submitter. Criteria: Ambry Variant Classification Scheme 2023. Collection method: clinical testing. Allele origin: germline.
Comment: The p.I72M variant (also known as c.216T>G), located in coding exon 3 of the POT1 gene, results from a T to G substitution at nucleotide position 216. The isoleucine at codon 72 is replaced by methionine, an amino acid with highly similar properties. This amino acid position is conserved. In addition, this alteration is predicted to be tolerated by in silico analysis. Based on the available evidence, the clinical significance of this variant remains unclear.